The following is an entry in ClinVar:

NM_014714.4(IFT140):c.3913G>A (p.Gly1305Arg)

Gene: IFT140 (intraflagellar transport 140; minus strand). Cytogenetic location: 16p13.3.
Variant type: single nucleotide variant.
Coding change: c.3913G>A on transcript NM_014714.4 (MANE Select); coding-DNA position 3913, G replaced by A.
Protein change: p.Gly1305Arg; replaces glycine 1305 with arginine.
Molecular consequence: missense variant.
Genome position (GRCh38, 1-based): chr16:1,520,008, C>T on the plus strand (G>A on the coding strand, the complement: IFT140 is on the minus strand). VCF-style: chr16-1520008-C-T. GRCh37 (hg19) VCF-style: chr16-1570009-C-T.
Other names: c.3913G>A (NM_014714.3); short protein forms G1305R.
Identifiers: ClinVar variation 1354767 (VCV001354767.5), dbSNP rs755596826, ClinGen allele CA7812980.
Genomic context (GRCh38, chr16:1,520,008, plus strand): 5'-GGTCCAGGGGGCTCTTGGCCTTGGCCTTGGCCAGGCACTTGTAGGCCTCGGTCAGCGCCC[C>T]GTGGGCTTTGTCGTAGTTCTGGTATTCATCAATCTCCACCTGTACAGATGAAACCCGTCA-3'
Protein context (NP_055529.2, residues 1295-1315): DEYQNYDKAH[Gly1305Arg]ALTEAYKCLA

ClinVar aggregate classification (germline): Uncertain significance. Review status: criteria provided, multiple submitters, no conflicts (2 of 4 stars). 3 submissions from 3 submitters: Uncertain significance (3). Last evaluated 2025-12-08.

Conditions:
Saldino-Mainzer syndrome (SRTD9). Also called: CONORENAL SYNDROME; Renal dysplasia, retinal pigmentary dystrophy, cerebellar ataxia and skeletal dysplasia; SHORT-RIB THORACIC DYSPLASIA 9 WITHOUT POLYDACTYLY; short-rib thoracic dysplasia 9 with or without polydactyly. Identifiers: Orphanet 140969, MedGen C1849437, MONDO:0009964, OMIM 266920.
Retinitis pigmentosa 80 (RP80). Identifiers: MedGen C4540439, MONDO:0054708, OMIM 617781.
Inborn genetic diseases. Identifiers: MedGen C0950123, MeSH D030342.

Allele frequency attached by ClinVar (database versions not stated): gnomAD 0.00001; TOPMed 0.00002.
gnomAD v4.1: 26 of 1,602,816 alleles (0.0016%); highest among the groups gnomAD compares: Admixed American, 0.01%; no homozygotes.

Submissions (3):

Ambry Genetics
Classification: Uncertain significance for Inborn genetic diseases. Last evaluated: 2025-12-08. Review status: criteria provided, single submitter. Criteria: Ambry Variant Classification Scheme 2023. Collection method: clinical testing. Allele origin: germline.

Fulgent Genetics
Classification: Uncertain significance for Saldino-Mainzer syndrome; Retinitis pigmentosa 80. Last evaluated: 2022-05-25. Review status: criteria provided, single submitter. Criteria: ACMG Guidelines, 2015. Collection method: clinical testing. Allele origin: unknown.

Labcorp Genetics (formerly Invitae), Labcorp
Classification: Uncertain significance for Saldino-Mainzer syndrome. Last evaluated: 2022-02-11. Review status: criteria provided, single submitter. Criteria: Invitae Variant Classification Sherloc (09022015). Collection method: clinical testing. Allele origin: germline.
Comment: This sequence change replaces glycine, which is neutral and non-polar, with arginine, which is basic and polar, at codon 1305 of the IFT140 protein (p.Gly1305Arg). This variant is present in population databases (rs755596826, gnomAD 0.01%). This variant has not been reported in the literature in individuals affected with IFT140-related conditions. Algorithms developed to predict the effect of missense changes on protein structure and function are either unavailable or do not agree on the potential impact of this missense change (SIFT: "Deleterious"; PolyPhen-2: "Benign"; Align-GVGD: "Class C0"). In summary, the available evidence is currently insufficient to determine the role of this variant in disease. Therefore, it has been classified as a Variant of Uncertain Significance.